The following is an entry in ClinVar:

ClinVar aggregate classification (germline): Likely pathogenic (1 of 4 stars; one submission).

Submission:

Dasa
Classification: Likely pathogenic. Last evaluated: 2024-11-27. Review status: criteria provided, single submitter. Criteria: DASA Assertion Criteria. Collection method: clinical testing. Allele origin: germline.
Comment: NM_001903.5(CTNNA1):c.1693_1694dup (p.Gly566Glnfs*27) is a frameshift variant in CTNNA1 predicted to alter the reading frame and introduce a premature termination codon and is predicted to result in an absent or altered protein product. Loss of function is an established disease mechanism for CTNNA1 (PMID: 32051609; PMID: 29330337; PMID: 33326660). Also, this variant is absent from population databases. Based on the currently available evidence, this variant is classified as likely pathogenic.

Literature cited by the submitters: PubMed 32051609; PubMed 29330337; PubMed 33326660.

NM_001903.5(CTNNA1):c.1693_1694dup (p.Gly566fs)

Gene: CTNNA1 (catenin alpha 1; plus strand). Cytogenetic location: 5q31.2.
Variant type: Duplication.
Coding change: c.1693_1694dup on transcript NM_001903.5 (MANE Select); coding-DNA positions 1693 to 1694, 2 bases duplicated (CC; older notation c.1693_1694dupCC).
Protein change: p.Gly566fs; shifts the reading frame from glycine 566.
Molecular consequence: frameshift variant.
Genome position (GRCh38, 1-based): chr5:138,924,656-138,924,657, CC duplicated. VCF-style (leftmost placement, unchanged base first): chr5-138924655-G-GCC. GRCh37 (hg19) VCF-style: chr5-138260344-G-GCC.
Other names: c.1693_1694dup, p.Gly566fs (NM_001323983.1, NM_001323984.2, NM_001323985.2 and 2 more transcripts); c.1600_1601dup, p.Gly535fs (NM_001323986.2); c.583_584dup, p.Gly196fs (NM_001323987.1, NM_001323988.1, NM_001323989.1 and 17 more transcripts); c.244_245dup, p.Gly83fs (NM_001324006.1, NM_001324007.1, NM_001324008.1 and 2 more transcripts); c.1384_1385dup, p.Gly463fs (NM_001290309.3); c.1324_1325dup, p.Gly443fs (NM_001290310.3); c.490_491dup, p.Gly165fs (NM_001324011.1); c.340_341dup, p.Gly115fs (NM_001324012.1, NM_001324013.1); short protein forms G115fs, G165fs, G196fs, G443fs, G463fs, G535fs, G566fs, G83fs.
Identifiers: ClinVar variation 4886531 (VCV004886531.2).